The following is an entry in ClinVar:

ClinVar aggregate classification (germline): Uncertain significance (1 of 4 stars; one submission).

Conditions:
Hereditary cancer-predisposing syndrome. Also called: Hereditary Cancer Syndrome; Hereditary neoplastic syndrome; Neoplastic Syndromes, Hereditary; Tumor predisposition. Identifiers: Orphanet 140162, MedGen C0027672, MeSH D009386, MONDO:0015356.

Submission:

Ambry Genetics
Classification: Uncertain significance for Hereditary cancer-predisposing syndrome. Last evaluated: 2023-08-15. Review status: criteria provided, single submitter. Criteria: Ambry Variant Classification Scheme 2023. Collection method: clinical testing. Allele origin: germline.
Comment: The p.P344S variant (also known as c.1030C>T), located in coding exon 12 of the MUTYH gene, results from a C to T substitution at nucleotide position 1030. The proline at codon 344 is replaced by serine, an amino acid with similar properties. This amino acid position is not well conserved in available vertebrate species. In addition, this alteration is predicted to be tolerated by in silico analysis. Since supporting evidence is limited at this time, the clinical significance of this alteration remains unclear.

NM_001048174.2(MUTYH):c.946C>T (p.Pro316Ser)

Gene: MUTYH (mutY DNA glycosylase; minus strand). Cytogenetic location: 1p34.1.
Variant type: single nucleotide variant.
Coding change: c.946C>T on transcript NM_001048174.2 (MANE Select); coding-DNA position 946, C replaced by T.
Protein change: p.Pro316Ser; replaces proline 316 with serine.
Molecular consequence: missense variant. On other transcripts: non-coding transcript variant (2).
Genome position (GRCh38, 1-based): chr1:45,331,817, G>A on the plus strand (C>T on the coding strand, the complement: MUTYH is on the minus strand). VCF-style: chr1-45331817-G-A. GRCh37 (hg19) VCF-style: chr1-45797489-G-A.
Other names: c.946C>T, p.Pro316Ser (NM_001048171.2, NM_001048173.2, NM_001293195.2 and 6 more transcripts); c.949C>T, p.Pro317Ser (NM_001048172.2, NM_001407071.1, NM_001407078.1 and 1 more transcripts); c.1030C>T, p.Pro344Ser (NM_001128425.2); c.991C>T, p.Pro331Ser (NM_001293190.2); c.979C>T, p.Pro327Ser (NM_001293191.2, NM_001407069.1, NM_001407077.1); c.670C>T, p.Pro224Ser (NM_001293192.2, NM_001293196.2, NM_001407091.1); c.601C>T, p.Pro201Ser (NM_001350650.2, NM_001350651.2, NM_001407082.1); c.862C>T, p.Pro288Ser (NM_001407075.1); and 5 more; short protein forms P201S, P224S, P302S, P303S, P317S, P323S, P288S, P316S.
Identifiers: ClinVar variation 1771045 (VCV001771045.3), dbSNP rs2149129217, ClinGen allele CA340133826.